The following is an entry in ClinVar:

NM_002524.5(NRAS):c.222A>G (p.Thr74=)

Gene: NRAS (NRAS proto-oncogene, GTPase; minus strand). Cytogenetic location: 1p13.2.
Variant type: single nucleotide variant.
Coding change: c.222A>G on transcript NM_002524.5 (MANE Select); coding-DNA position 222, A replaced by G.
Protein change: p.Thr74=; no amino-acid change (threonine 74 retained).
Molecular consequence: synonymous variant.
Genome position (GRCh38, 1-based): chr1:114,713,868, T>C on the plus strand (A>G on the coding strand, the complement: NRAS is on the minus strand). VCF-style: chr1-114713868-T-C. GRCh37 (hg19) VCF-style: chr1-115256489-T-C.
Identifiers: ClinVar variation 1788063 (VCV001788063.10), dbSNP rs778873511, ClinGen allele CA1020753.

ClinVar aggregate classification (germline): Benign/Likely benign. Review status: criteria provided, multiple submitters, no conflicts (2 of 4 stars). 4 submissions from 4 submitters: Benign (1); Likely benign (2). 1 of the submissions does not count toward it. Last evaluated 2025-11-10.

Conditions:
Cardiovascular phenotype. Identifiers: MedGen CN230736.
NRAS-related disorder. Also called: NRAS-related condition.
RASopathy. Also called: Noonan spectrum disorder; rasopathies. Identifiers: Orphanet 536391, MedGen C5555857, MONDO:0021060.

Allele frequency attached by ClinVar (database versions not stated): TOPMed 0.00001; ExAC 0.00004; gnomAD exomes 0.00005; gnomAD 0.00009.
gnomAD v4.1: 83 of 1,613,708 alleles (0.0051%); highest among the groups gnomAD compares: Non-Finnish European, 0.0022%; no homozygotes.

Submissions (4):

Labcorp Genetics (formerly Invitae), Labcorp
Classification: Benign for RASopathy. Last evaluated: 2025-11-10. Review status: criteria provided, single submitter. Criteria: Invitae Variant Classification Sherloc (09022015). Collection method: clinical testing. Allele origin: germline.

Blueprint Genetics
Classification: Likely benign. Last evaluated: 2024-06-27. Review status: criteria provided, single submitter. Criteria: ACMG Guidelines, 2015. Collection method: clinical testing. Allele origin: germline.

Ambry Genetics
Classification: Likely benign for Cardiovascular phenotype. Last evaluated: 2021-03-01. Review status: criteria provided, single submitter. Criteria: Ambry Variant Classification Scheme 2023. Collection method: clinical testing. Allele origin: germline.

PreventionGenetics, part of Exact Sciences
Classification: Likely benign for NRAS-related condition. Last evaluated: 2021-07-09. Review status: no assertion criteria provided. Collection method: clinical testing. Allele origin: germline. Not counted in ClinVar's aggregate classification.
Comment: This variant is classified as likely benign based on ACMG/AMP sequence variant interpretation guidelines (Richards et al. 2015 PMID: 25741868, with internal and published modifications).